The following is an entry in ClinVar:

NM_000080.4(CHRNE):c.428T>C (p.Ile143Thr)

Genes: C17orf107 (chromosome 17 open reading frame 107; plus strand), CHRNE (cholinergic receptor nicotinic epsilon subunit; minus strand). Cytogenetic location: 17p13.2.
Variant type: single nucleotide variant.
Coding change: c.428T>C on transcript NM_000080.4 (MANE Select); coding-DNA position 428, T replaced by C.
Protein change: p.Ile143Thr; replaces isoleucine 143 with threonine.
Molecular consequence: missense variant. On other transcripts: 3 prime UTR variant (1).
Genome position (GRCh38, 1-based): chr17:4,902,004, A>G on the plus strand (T>C on the coding strand, the complement: CHRNE is on the minus strand). VCF-style: chr17-4902004-A-G. GRCh37 (hg19) VCF-style: chr17-4805299-A-G.
Other names: c.*1471A>G (NM_001145536.2); short protein forms I143T.
Identifiers: ClinVar variation 1421526 (VCV001421526.6), dbSNP rs1484300953, ClinGen allele CA397306219.

ClinVar aggregate classification (germline): Uncertain significance (1 of 4 stars; one submission).

Conditions:
Congenital myasthenic syndrome 4A. Also called: MYASTHENIC SYNDROME, CONGENITAL, 4A, SLOW-CHANNEL, AUTOSOMAL RECESSIVE; Myasthenic syndrome, congenital, 4a, slow-channel; CONGENITAL MYASTHENIC SYNDROME TYPE Ia1. Identifiers: Orphanet 590, MedGen C4225413, MONDO:0011600, OMIM 605809.

Allele frequency attached by ClinVar (database versions not stated): gnomAD exomes below 0.00001 and 0.00001; gnomAD 0.00001.
gnomAD v4.1: 8 of 1,613,986 alleles (0.0005%); highest among the groups gnomAD compares: Non-Finnish European, 0.00068%; no homozygotes.

Submission:

Labcorp Genetics (formerly Invitae), Labcorp
Classification: Uncertain significance for Congenital myasthenic syndrome 4A. Last evaluated: 2025-11-12. Review status: criteria provided, single submitter. Criteria: Invitae Variant Classification Sherloc (09022015). Collection method: clinical testing. Allele origin: germline.
Comment: This sequence change replaces isoleucine, which is neutral and non-polar, with threonine, which is neutral and polar, at codon 143 of the CHRNE protein (p.Ile143Thr). This variant is present in population databases (no rsID available, gnomAD 0.002%). This variant has not been reported in the literature in individuals affected with CHRNE-related conditions. ClinVar contains an entry for this variant (Variation ID: 1421526). Invitae Evidence Modeling of protein sequence and biophysical properties (such as structural, functional, and spatial information, amino acid conservation, physicochemical variation, residue mobility, and thermodynamic stability) has been performed for this missense variant. However, the output from this modeling did not meet the statistical confidence thresholds required to predict the impact of this variant on CHRNE protein function. In summary, the available evidence is currently insufficient to determine the role of this variant in disease. Therefore, it has been classified as a Variant of Uncertain Significance.